The following is an entry in ClinVar:

NM_001376.5(DYNC1H1):c.13805C>A (p.Ala4602Asp)

Gene: DYNC1H1 (dynein cytoplasmic 1 heavy chain 1; plus strand). Cytogenetic location: 14q32.31.
Variant type: single nucleotide variant.
Coding change: c.13805C>A on transcript NM_001376.5 (MANE Select); coding-DNA position 13805, C replaced by A.
Protein change: p.Ala4602Asp; replaces alanine 4602 with aspartic acid.
Molecular consequence: missense variant.
Genome position (GRCh38, 1-based): chr14:102,050,191, C>A. VCF-style: chr14-102050191-C-A. GRCh37 (hg19) VCF-style: chr14-102516528-C-A.
Other names: short protein forms A4602D.
Identifiers: ClinVar variation 2700063 (VCV002700063.3), dbSNP rs2503891981, ClinGen allele CA391052239.

ClinVar aggregate classification (germline): Uncertain significance (1 of 4 stars; one submission).

Conditions:
Charcot-Marie-Tooth disease axonal type 2O. Also called: CHARCOT-MARIE-TOOTH NEUROPATHY, AXONAL, TYPE 2O; CHARCOT-MARIE-TOOTH DISEASE, AXONAL, AUTOSOMAL DOMINANT, TYPE 2O; Charcot-Marie-Tooth Neuropathy Type 2O; Charcot-Marie-Tooth disease, axonal, type 20. Identifiers: Orphanet 284232, MedGen C3280220, MONDO:0013644, OMIM 614228.

Submission:

Labcorp Genetics (formerly Invitae), Labcorp
Classification: Uncertain significance for Charcot-Marie-Tooth disease axonal type 2O. Last evaluated: 2023-12-01. Review status: criteria provided, single submitter. Criteria: Invitae Variant Classification Sherloc (09022015). Collection method: clinical testing. Allele origin: germline.
Comment: This sequence change replaces alanine, which is neutral and non-polar, with aspartic acid, which is acidic and polar, at codon 4602 of the DYNC1H1 protein (p.Ala4602Asp). This variant is not present in population databases (gnomAD no frequency). This variant has not been reported in the literature in individuals affected with DYNC1H1-related conditions. Advanced modeling of protein sequence and biophysical properties (such as structural, functional, and spatial information, amino acid conservation, physicochemical variation, residue mobility, and thermodynamic stability) performed at Invitae indicates that this missense variant is not expected to disrupt DYNC1H1 protein function with a negative predictive value of 95%. In summary, the available evidence is currently insufficient to determine the role of this variant in disease. Therefore, it has been classified as a Variant of Uncertain Significance.